The following is an entry in ClinVar:

NM_001111125.3(IQSEC2):c.1592G>C (p.Arg531Pro)

Gene: IQSEC2 (IQ motif and Sec7 domain ArfGEF 2; minus strand). Cytogenetic location: Xp11.22.
Variant type: single nucleotide variant.
Coding change: c.1592G>C on transcript NM_001111125.3 (MANE Select); coding-DNA position 1592, G replaced by C.
Protein change: p.Arg531Pro; replaces arginine 531 with proline.
Molecular consequence: missense variant.
Genome position (GRCh38, 1-based): chrX:53,250,984, C>G on the plus strand (G>C on the coding strand, the complement: IQSEC2 is on the minus strand). VCF-style: chrX-53250984-C-G. GRCh37 (hg19) VCF-style: chrX-53280166-C-G.
Other names: c.977G>C, p.Arg326Pro (NM_015075.2); short protein forms R531P, R326P.
Identifiers: ClinVar variation 435521 (VCV000435521.51), dbSNP rs149027201, ClinGen allele CA10420035.

ClinVar aggregate classification (germline): Benign/Likely benign. Review status: criteria provided, multiple submitters, no conflicts (2 of 4 stars). 5 submissions from 5 submitters: Benign (1); Likely benign (4). Last evaluated 2025-12-11.

Conditions:
Intellectual developmental disorder, X-linked 1. Also called: Intellectual disability, X-linked 1; Atkin Flaitz Patil Smith syndrome; MENTAL RETARDATION, X-LINKED 18; MENTAL RETARDATION, X-LINKED 78. Identifiers: Orphanet 777, MedGen C2931498, MONDO:0010656, OMIM 309530.

Allele frequency attached by ClinVar (database versions not stated): ESP Exome Variant Server 0.00028; 1000 Genomes Project 0.00053; gnomAD 0.00060; ExAC 0.00051; TOPMed 0.00024; gnomAD exomes 0.00031 and 0.00040; 1000 Genomes Project 30x 0.00042.
gnomAD v4.1: 367 of 1,210,403 alleles (0.03%); highest among the groups gnomAD compares: Non-Finnish European, 0.031%; no homozygotes.

Submissions (5):

Labcorp Genetics (formerly Invitae), Labcorp
Classification: Benign for Intellectual developmental disorder, X-linked 1. Last evaluated: 2025-12-11. Review status: criteria provided, single submitter. Criteria: Invitae Variant Classification Sherloc (09022015). Collection method: clinical testing. Allele origin: germline.

Blueprint Genetics
Classification: Likely benign. Last evaluated: 2024-10-18. Review status: criteria provided, single submitter. Criteria: ACMG Guidelines, 2015. Collection method: clinical testing. Allele origin: germline.

CeGaT Center for Human Genetics Tuebingen
Classification: Likely benign. Last evaluated: 2023-03-01. Review status: criteria provided, single submitter. Criteria: CeGaT Center For Human Genetics Tuebingen Variant Classification Criteria Version 2. Collection method: clinical testing. Allele origin: germline. Affected: yes. Observed: 2 variant alleles.
Comment: IQSEC2: PP2, BS2

GeneDx
Classification: Likely benign. Last evaluated: 2021-05-06. Review status: criteria provided, single submitter. Criteria: GeneDx Variant Classification Process June 2021. Collection method: clinical testing. Allele origin: germline. Affected: yes.

Genetic Services Laboratory, University of Chicago
Classification: Likely benign. Last evaluated: 2016-04-25. Review status: criteria provided, single submitter. Criteria: ACMG Guidelines, 2015. Collection method: clinical testing. Allele origin: germline. Affected: no.